The following is an entry in ClinVar:

ClinVar aggregate classification (germline): Pathogenic. Review status: criteria provided, multiple submitters, no conflicts (2 of 4 stars). 3 submissions from 3 submitters: Pathogenic (3). Last evaluated 2025-10-05.

Conditions:
CLCN1-related disorder. Also called: CLCN1-related condition.
Congenital myotonia, autosomal recessive form. Also called: Becker Generalized Myotonia; BECKER DISEASE; myotonia congenita, autosomal recessive. Identifiers: Orphanet 614, MedGen C0751360, MONDO:0009715, OMIM 255700.
Congenital myotonia, autosomal dominant form (THD). Also called: Myotonia congenita autosomal dominant; THOMSEN DISEASE. Identifiers: Orphanet 614, MedGen C2936781, MONDO:0008055, OMIM 160800.

Allele frequency attached by ClinVar (database versions not stated): gnomAD exomes below 0.00001; ExAC 0.00001; gnomAD 0.00001.

Submissions (3):

Labcorp Genetics (formerly Invitae), Labcorp
Classification: Pathogenic for Congenital myotonia, autosomal recessive form; Congenital myotonia, autosomal dominant form. Last evaluated: 2025-10-05. Review status: criteria provided, single submitter. Criteria: Invitae Variant Classification Sherloc (09022015). Collection method: clinical testing. Allele origin: germline.
Comment: This sequence change creates a premature translational stop signal (p.Ser264Leufs*4) in the CLCN1 gene. It is expected to result in an absent or disrupted protein product. Loss-of-function variants in CLCN1 are known to be pathogenic (PMID: 17932099, 22094069, 23739125). This variant is present in population databases (rs770081373, gnomAD 0.0009%). This premature translational stop signal has been observed in individual(s) with myotonia congenita (PMID: 18337730). In at least one individual the data is consistent with being in trans (on the opposite chromosome) from a pathogenic variant. It has also been observed to segregate with disease in related individuals. ClinVar contains an entry for this variant (Variation ID: 661869). For these reasons, this variant has been classified as Pathogenic.

GeneDx
Classification: Pathogenic. Last evaluated: 2024-11-14. Review status: criteria provided, single submitter. Criteria: GeneDx Variant Classification Process June 2021. Collection method: clinical testing. Allele origin: germline. Affected: yes.
Comment: Frameshift variant predicted to result in protein truncation or nonsense mediated decay in a gene for which loss of function is a known mechanism of disease; Not observed at significant frequency in large population cohorts (gnomAD); This variant is associated with the following publications: (PMID: 18337730)

Blueprint Genetics
Classification: Pathogenic for CLCN1-related disorders. Last evaluated: 2021-02-04. Review status: criteria provided, single submitter. Criteria: ACMG Guidelines, 2015. Collection method: clinical testing. Allele origin: germline. Affected: yes. Observed: 1 variant allele.

Literature cited by the submitters: PubMed 17932099 (cited by Labcorp Genetics (formerly Invitae), Labcorp); PubMed 22094069 (cited by Labcorp Genetics (formerly Invitae), Labcorp); PubMed 23739125 (cited by Labcorp Genetics (formerly Invitae), Labcorp); PubMed 18337730 (cited by Labcorp Genetics (formerly Invitae), Labcorp).

NM_000083.3(CLCN1):c.789del (p.Ser264fs)

Gene: CLCN1 (chloride voltage-gated channel 1; plus strand). Cytogenetic location: 7q34.
Variant type: Deletion.
Coding change: c.789del on transcript NM_000083.3 (MANE Select); coding-DNA position 789, one base deleted (C; older notation c.789delC).
Protein change: p.Ser264fs; shifts the reading frame from serine 264.
Molecular consequence: frameshift variant. On other transcripts: non-coding transcript variant (1).
Genome position (GRCh38, 1-based): chr7:143,324,428, C deleted. VCF-style (leftmost placement, unchanged base first): chr7-143324427-AC-A. GRCh37 (hg19) VCF-style: chr7-143021520-AC-A.
Other names: c.789delC (NM_000083.2); c.789del (NM_000083.2); short protein forms S264fs.
Identifiers: ClinVar variation 661869 (VCV000661869.10), dbSNP rs770081373, ClinGen allele CA4537125.
Genomic context (GRCh38, chr7:143,324,427, plus strand): 5'-ACCTCCCTCTCTTCCACCTGTTTCTCTGTCTGTCTCTCCCCTAGTAGCAGCCATACTACT[AC>A]TCTGATATCCTGACGGTGGGCTGTGCTGTGGGAGTCGGCTGTTGTTTTGGGACACCACTT-3'